The following is an entry in ClinVar:

NM_004522.3(KIF5C):c.2072C>T (p.Thr691Met)

Gene: KIF5C (kinesin family member 5C; plus strand). Cytogenetic location: 2q23.1.
Variant type: single nucleotide variant.
Coding change: c.2072C>T on transcript NM_004522.3 (MANE Select); coding-DNA position 2072, C replaced by T.
Protein change: p.Thr691Met; replaces threonine 691 with methionine.
Molecular consequence: missense variant. On other transcripts: non-coding transcript variant (1).
Genome position (GRCh38, 1-based): chr2:148,997,312, C>T. VCF-style: chr2-148997312-C-T. GRCh37 (hg19) VCF-style: chr2-149853826-C-T.
Other names: short protein forms T691M.
Identifiers: ClinVar variation 2632003 (VCV002632003.1), dbSNP rs766078338, ClinGen allele CA1901595.

ClinVar aggregate classification (germline): Uncertain significance (1 of 4 stars; one submission).

Conditions:
KIF5C-related disorder. Also called: KIF5C-related condition.

Allele frequency attached by ClinVar (database versions not stated): ExAC 0.00001; gnomAD 0.00001; gnomAD exomes 0.00002; TOPMed 0.00002.
gnomAD v4.1: 29 of 1,613,800 alleles (0.0018%); highest among the groups gnomAD compares: Non-Finnish European, 0.0022%; no homozygotes.

Submission:

PreventionGenetics, part of Exact Sciences
Classification: Uncertain significance for KIF5C-related condition. Last evaluated: 2023-02-28. Review status: criteria provided, single submitter. Criteria: ACMG Guidelines, 2015. Collection method: clinical testing. Allele origin: germline.
Comment: The KIF5C c.2072C>T variant is predicted to result in the amino acid substitution p.Thr691Met. To our knowledge, this variant has not been reported in the literature. This variant is reported in 0.0018% of alleles in individuals of European (Non-Finnish) descent in gnomAD. At this time, the clinical significance of this variant is uncertain due to the absence of conclusive functional and genetic evidence.